The following is an entry in ClinVar:

ClinVar aggregate classification (germline): Uncertain significance. Review status: criteria provided, multiple submitters, no conflicts (2 of 4 stars). 2 submissions from 2 submitters: Uncertain significance (2). Last evaluated 2022-04-13.

Allele frequency attached by ClinVar (database versions not stated): gnomAD 0.00001.

Submissions (2):

Labcorp Genetics (formerly Invitae), Labcorp
Classification: Uncertain significance. Last evaluated: 2022-04-13. Review status: criteria provided, single submitter. Criteria: Invitae Variant Classification Sherloc (09022015). Collection method: clinical testing. Allele origin: germline.
Comment: This sequence change replaces isoleucine, which is neutral and non-polar, with methionine, which is neutral and non-polar, at codon 244 of the ERCC2 protein (p.Ile244Met). This variant is present in population databases (rs373375265, gnomAD 0.02%). This variant has not been reported in the literature in individuals affected with ERCC2-related conditions. ClinVar contains an entry for this variant (Variation ID: 1343478). Algorithms developed to predict the effect of missense changes on protein structure and function are either unavailable or do not agree on the potential impact of this missense change (SIFT: "Deleterious"; PolyPhen-2: "Probably Damaging"; Align-GVGD: "Class C0"). In summary, the available evidence is currently insufficient to determine the role of this variant in disease. Therefore, it has been classified as a Variant of Uncertain Significance.

Women's Health and Genetics/Laboratory Corporation of America, LabCorp
Classification: Uncertain significance. Last evaluated: 2022-02-18. Review status: criteria provided, single submitter. Criteria: LabCorp Variant Classification Summary - May 2015. Collection method: clinical testing. Allele origin: germline.

NM_000400.4(ERCC2):c.732C>G (p.Ile244Met)

Gene: ERCC2 (ERCC excision repair 2, TFIIH core complex helicase subunit; minus strand). Cytogenetic location: 19q13.32.
Variant type: single nucleotide variant.
Coding change: c.732C>G on transcript NM_000400.4 (MANE Select); coding-DNA position 732, C replaced by G.
Protein change: p.Ile244Met; replaces isoleucine 244 with methionine.
Molecular consequence: missense variant.
Genome position (GRCh38, 1-based): chr19:45,364,318, G>C on the plus strand (C>G on the coding strand, the complement: ERCC2 is on the minus strand). VCF-style: chr19-45364318-G-C. GRCh37 (hg19) VCF-style: chr19-45867576-G-C.
Other names: c.660C>G, p.Ile220Met (NM_001130867.2); short protein forms I220M, I244M.
Identifiers: ClinVar variation 1343478 (VCV001343478.4), dbSNP rs373375265, ClinGen allele CA9513649.